The following is an entry in ClinVar:

NM_194277.3(FRMD7):c.887del (p.Gly296fs)

Gene: FRMD7 (FERM domain containing 7; minus strand). Cytogenetic location: Xq26.2.
Variant type: Deletion.
Coding change: c.887del on transcript NM_194277.3 (MANE Select); coding-DNA position 887, one base deleted (G; older notation c.887delG).
Protein change: p.Gly296fs; shifts the reading frame from glycine 296.
Molecular consequence: frameshift variant.
Genome position (GRCh38, 1-based): chrX:132,082,381, C deleted on the plus strand (G on the coding strand, the reverse complement: FRMD7 is on the minus strand); the first of 3 consecutive C bases (chrX:132,082,381-132,082,383); deleting any one gives the same sequence. VCF-style (leftmost placement, unchanged base first): chrX-132082380-AC-A. GRCh37 (hg19) VCF-style: chrX-131216408-AC-A.
Other names: c.842del, p.Gly281fs (NM_001306193.2); short protein forms G281fs, G296fs.
Identifiers: ClinVar variation 3771809 (VCV003771809.13).
Genomic context (GRCh38, chrX:132,082,380, plus strand): 5'-AGAAGCAGTGTGAGCAGTTTGCCTATGTGCATTGTTTAATTACCTATAGCGGAAACTGGA[AC>A]CCTTGCTGCAGAGTAGGGTTTTGGGCTTTGATTTGGGCTCTTCCGAAAGCCTGAAGAAAG-3'

ClinVar aggregate classification (germline): Pathogenic (1 of 4 stars; one submission).

Submission:

CeGaT Center for Human Genetics Tuebingen
Classification: Pathogenic. Last evaluated: 2025-02-01. Review status: criteria provided, single submitter. Criteria: CeGaT Center For Human Genetics Tuebingen Variant Classification Criteria Version 2. Collection method: clinical testing. Allele origin: germline. Affected: yes. Observed: 1 variant allele.
Comment: FRMD7: PVS1, PP1:Strong, PM2, PP4, PS4:Supporting